The following is an entry in ClinVar:

NM_016507.4(CDK12):c.1486A>C (p.Lys496Gln)

Gene: CDK12 (cyclin dependent kinase 12; plus strand). Cytogenetic location: 17q12.
Variant type: single nucleotide variant.
Coding change: c.1486A>C on transcript NM_016507.4 (MANE Select); coding-DNA position 1486, A replaced by C.
Protein change: p.Lys496Gln; replaces lysine 496 with glutamine.
Molecular consequence: missense variant.
Genome position (GRCh38, 1-based): chr17:39,471,318, A>C. VCF-style: chr17-39471318-A-C. GRCh37 (hg19) VCF-style: chr17-37627571-A-C.
Other names: c.1486A>C, p.Lys496Gln (NM_015083.4); short protein forms K496Q.
Identifiers: ClinVar variation 3999318 (VCV003999318.1).

ClinVar aggregate classification (germline): Uncertain significance (1 of 4 stars; one submission).

gnomAD v4.1: 1 of 1,613,940 alleles (0.000062%); highest among the groups gnomAD compares: Non-Finnish European, 0.000085%; no homozygotes.

Submission:

Ambry Genetics
Classification: Uncertain significance. Last evaluated: 2025-04-05. Review status: criteria provided, single submitter. Criteria: Ambry Variant Classification Scheme 2023. Collection method: clinical testing. Allele origin: germline.
Comment: The p.K496Q variant (also known as c.1486A>C), located in coding exon 2 of the CDK12 gene, results from an A to C substitution at nucleotide position 1486. The lysine at codon 496 is replaced by glutamine, an amino acid with similar properties. This amino acid position is conserved. In addition, the in silico prediction for this alteration is inconclusive. Based on the available evidence, the clinical significance of this variant remains unclear.